The following is an entry in ClinVar:

ClinVar aggregate classification (germline): Benign (1 of 4 stars; one submission).

Conditions:
Charcot-Marie-Tooth disease type 1C. Also called: CHARCOT-MARIE-TOOTH DISEASE, DEMYELINATING, TYPE 1C; CMT, SLOW NERVE CONDUCTION TYPE C; HMSN IC; Charcot-Marie-Tooth disease, type IC; CHARCOT-MARIE-TOOTH NEUROPATHY, TYPE 1C; NEUROPATHY, HEREDITARY MOTOR AND SENSORY, TYPE IC. Identifiers: Orphanet 101083, MedGen C0270913, MONDO:0010995, OMIM 601098.

Allele frequency attached by ClinVar (database versions not stated): ExAC 0.00260; gnomAD 0.03674 and 0.03402; TOPMed 0.03867; gnomAD exomes 0.00775; 1000 Genomes Project 0.03355; 1000 Genomes Project 30x 0.03560.
gnomAD v4.1: 6,554 of 454,018 alleles (1.4%); highest among the groups gnomAD compares: African/African-American, 12%; 344 homozygotes.

Submission:

Illumina Laboratory Services, Illumina
Classification: Benign for Charcot-Marie-Tooth disease type 1C. Last evaluated: 2018-01-12. Review status: criteria provided, single submitter. Criteria: ICSL Variant Classification Criteria 13 December 2019. Collection method: clinical testing. Allele origin: germline.
Comment: This variant was observed in the ICSL laboratory as part of a predisposition screen in an ostensibly healthy population. It had not been previously curated by ICSL or reported in the Human Gene Mutation Database (HGMD: prior to June 1st, 2018), and was therefore a candidate for classification through an automated scoring system. Utilizing variant allele frequency, disease prevalence and penetrance estimates, and inheritance mode, an automated score was calculated to assess if this variant is too frequent to cause the disease. Based on the score and internal cut-off values, a variant classified as benign is not then subjected to further curation. The score for this variant resulted in a classification of benign for this disease.

NM_001136472.2(LITAF):c.*1415C>A

Gene: LITAF (lipopolysaccharide induced TNF factor; minus strand). Cytogenetic location: 16p13.13.
Variant type: single nucleotide variant.
Coding change: c.*1415C>A on transcript NM_001136472.2 (MANE Select); 1415 bases downstream of the stop codon, C replaced by A.
Molecular consequence: 3 prime UTR variant. On other transcripts: non-coding transcript variant (1).
Genome position (GRCh38, 1-based): chr16:11,548,222, G>T on the plus strand (C>A on the coding strand, the complement: LITAF is on the minus strand). VCF-style: chr16-11548222-G-T. GRCh37 (hg19) VCF-style: chr16-11642078-G-T.
Other names: c.*1540C>A (NM_001136473.1); c.*1415C>A (NM_004862.4).
Identifiers: ClinVar variation 317756 (VCV000317756.5), dbSNP rs80119580, ClinGen allele CA7903895.